The following is an entry in ClinVar:

NM_004714.3(DYRK1B):c.1287C>T (p.Gly429=)

Gene: DYRK1B (dual specificity tyrosine phosphorylation regulated kinase 1B; minus strand). Cytogenetic location: 19q13.2.
Variant type: single nucleotide variant.
Coding change: c.1287C>T on transcript NM_004714.3 (MANE Select); coding-DNA position 1287, C replaced by T.
Protein change: p.Gly429=; no amino-acid change (glycine 429 retained).
Molecular consequence: synonymous variant.
Genome position (GRCh38, 1-based): chr19:39,826,796, G>A on the plus strand (C>T on the coding strand, the complement: DYRK1B is on the minus strand). VCF-style: chr19-39826796-G-A. GRCh37 (hg19) VCF-style: chr19-40317436-G-A.
Other names: c.1167C>T, p.Gly389= (NM_006483.3); c.1203C>T, p.Gly401= (NM_006484.3).
Identifiers: ClinVar variation 748566 (VCV000748566.13), dbSNP rs201098298, ClinGen allele CA9434098.

ClinVar aggregate classification (germline): Benign/Likely benign. Review status: criteria provided, multiple submitters, no conflicts (2 of 4 stars). 4 submissions from 4 submitters: Benign (2); Likely benign (1). 1 of the submissions does not count toward it. Last evaluated 2025-12-03.

Conditions:
DYRK1B-related disorder. Also called: DYRK1B-related condition.

Allele frequency attached by ClinVar (database versions not stated): 1000 Genomes Project 30x 0.00031; TOPMed 0.00048; ESP Exome Variant Server 0.00050; gnomAD exomes 0.00067 and 0.00147; gnomAD 0.00104 and 0.00105; ExAC 0.00211.
gnomAD v4.1: 1,116 of 1,544,056 alleles (0.072%); highest among the groups gnomAD compares: East Asian, 0.13%; 5 homozygotes.

Submissions (4):

Labcorp Genetics (formerly Invitae), Labcorp
Classification: Benign. Last evaluated: 2025-12-03. Review status: criteria provided, single submitter. Criteria: Invitae Variant Classification Sherloc (09022015). Collection method: clinical testing. Allele origin: germline.

Blueprint Genetics
Classification: Likely benign. Last evaluated: 2024-11-01. Review status: criteria provided, single submitter. Criteria: ACMG Guidelines, 2015. Collection method: clinical testing. Allele origin: germline.

Breakthrough Genomics
Classification: Benign. Review status: criteria provided, single submitter. Criteria: ACMG Guidelines, 2015. Collection method: not provided. Allele origin: germline. Inheritance: Autosomal dominant inheritance. Affected: yes.

PreventionGenetics, part of Exact Sciences
Classification: Benign for DYRK1B-related condition. Last evaluated: 2021-06-21. Review status: no assertion criteria provided. Collection method: clinical testing. Allele origin: germline. Not counted in ClinVar's aggregate classification.
Comment: This variant is classified as benign based on ACMG/AMP sequence variant interpretation guidelines (Richards et al. 2015 PMID: 25741868, with internal and published modifications).